The following is an entry in ClinVar:

NM_000294.3(PHKG2):c.767del (p.Glu256fs)

Gene: PHKG2 (phosphorylase kinase catalytic subunit gamma 2; plus strand). Cytogenetic location: 16p11.2.
Variant type: Deletion.
Coding change: c.767del on transcript NM_000294.3 (MANE Select); coding-DNA position 767, one base deleted (A; older notation c.767delA).
Protein change: p.Glu256fs; shifts the reading frame from glutamic acid 256.
Molecular consequence: frameshift variant.
Genome position (GRCh38, 1-based): chr16:30,756,486, A deleted. VCF-style (leftmost placement, unchanged base first): chr16-30756485-GA-G. GRCh37 (hg19) VCF-style: chr16-30767806-GA-G.
Other names: c.767del, p.Glu256fs (NM_001172432.2); short protein forms E256fs.
Identifiers: ClinVar variation 2126568 (VCV002126568.4), dbSNP rs2490967067, ClinGen allele CA2580091497.

ClinVar aggregate classification (germline): Pathogenic (1 of 4 stars; one submission).

Conditions:
Glycogen storage disease IXc (GSD9C). Also called: GSD IXc. Identifiers: Orphanet 264580, MedGen C2751643, MONDO:0013091, OMIM 613027.

Submission:

Labcorp Genetics (formerly Invitae), Labcorp
Classification: Pathogenic for Glycogen storage disease IXc. Last evaluated: 2022-04-21. Review status: criteria provided, single submitter. Criteria: Invitae Variant Classification Sherloc (09022015). Collection method: clinical testing. Allele origin: germline.
Comment: This sequence change creates a premature translational stop signal (p.Glu256Glyfs*12) in the PHKG2 gene. It is expected to result in an absent or disrupted protein product. Loss-of-function variants in PHKG2 are known to be pathogenic (PMID: 8896567, 17689125, 21646031). This variant is not present in population databases (gnomAD no frequency). This variant has not been reported in the literature in individuals affected with PHKG2-related conditions. For these reasons, this variant has been classified as Pathogenic.

Literature cited by the submitters: PubMed 8896567; PubMed 17689125; PubMed 21646031.